The following is an entry in ClinVar:

ClinVar aggregate classification (germline): Uncertain significance (1 of 4 stars; one submission).

Conditions:
Familial acute necrotizing encephalopathy (IIAE3). Also called: ENCEPHALOPATHY, ACUTE, INFECTION-INDUCED, SUSCEPTIBILITY TO, 3; Susceptibility to Acute Necrotizing Encephalopathy 1. Identifiers: Orphanet 88619, MedGen C2675556, MONDO:0011953, OMIM 608033.

Submission:

Labcorp Genetics (formerly Invitae), Labcorp
Classification: Uncertain significance for Familial acute necrotizing encephalopathy. Last evaluated: 2025-06-22. Review status: criteria provided, single submitter. Criteria: Invitae Variant Classification Sherloc (09022015). Collection method: clinical testing. Allele origin: germline.
Comment: This variant, c.1857_1859del, results in the deletion of 1 amino acid(s) of the RANBP2 protein (p.Lys619del), but otherwise preserves the integrity of the reading frame. This variant is present in population databases (no rsID available, gnomAD 0.01%). This variant has not been reported in the literature in individuals affected with RANBP2-related conditions. Experimental studies and prediction algorithms are not available or were not evaluated, and the functional significance of this variant is currently unknown. In summary, the available evidence is currently insufficient to determine the role of this variant in disease. Therefore, it has been classified as a Variant of Uncertain Significance.

NM_006267.5(RANBP2):c.1854GAA[1] (p.Lys619del)

Gene: RANBP2 (RAN binding protein 2; plus strand). Cytogenetic location: 2q13.
Variant type: Microsatellite.
Coding change: c.1854GAA[1] on transcript NM_006267.5 (MANE Select); one copy of the 3-base unit GAA starting at c.1854; the reference has two copies in a row; one copy, 3 bases deleted.
Protein change: p.Lys619del; deletes lysine 619.
Molecular consequence: inframe deletion.
Genome position (GRCh38, 1-based): chr2:108,753,099-108,753,101, GAA deleted; deleting any 3 consecutive bases within chr2:108,753,094-108,753,101 gives the same sequence; the position shown is the placement nearest the transcript's 3' end. VCF-style (leftmost placement, unchanged base first): chr2-108753093-AAAG-A. GRCh37 (hg19) VCF-style: chr2-109369549-AAAG-A.
Other names: short protein forms K619del.
Identifiers: ClinVar variation 1392264 (VCV001392264.6), dbSNP rs1359840506, ClinGen allele CA535593379.